The following is an entry in ClinVar:

ClinVar aggregate classification (germline): Uncertain significance. Review status: criteria provided, multiple submitters, no conflicts (2 of 4 stars). 2 submissions from 2 submitters: Uncertain significance (2). Last evaluated 2025-11-12.

Conditions:
Hereditary cancer-predisposing syndrome. Also called: Hereditary neoplastic syndrome; Neoplastic Syndromes, Hereditary; Hereditary Cancer Syndrome; Tumor predisposition. Identifiers: Orphanet 140162, MedGen C0027672, MeSH D009386, MONDO:0015356.
Gastrointestinal stromal tumor. Also called: Gastrointestinal stromal tumor, somatic; Gastrointestinal stroma tumor. Identifiers: Orphanet 44890, MedGen C0238198, MeSH D046152, MONDO:0011719, OMIM 606764, HP:0100723.

Allele frequency attached by ClinVar (database versions not stated): gnomAD exomes below 0.00001; TOPMed below 0.00001; ExAC 0.00001; gnomAD 0.00001; ESP Exome Variant Server 0.00008.
gnomAD v4.1: 1 of 1,570,912 alleles (0.000064%); highest among the groups gnomAD compares: African/African-American, 0.0014%; no homozygotes.

Submissions (2):

Ambry Genetics
Classification: Uncertain significance for Hereditary cancer-predisposing syndrome. Last evaluated: 2025-11-12. Review status: criteria provided, single submitter. Criteria: Ambry Variant Classification Scheme 2023. Collection method: clinical testing. Allele origin: germline.
Comment: The p.T322A variant (also known as c.964A>G), located in coding exon 6 of the KIT gene, results from an A to G substitution at nucleotide position 964. The threonine at codon 322 is replaced by alanine, an amino acid with similar properties. This amino acid position is highly conserved in available vertebrate species. In addition, this alteration is predicted to be tolerated by in silico analysis. Since supporting evidence is limited at this time, the clinical significance of this alteration remains unclear.

Labcorp Genetics (formerly Invitae), Labcorp
Classification: Uncertain significance for Gastrointestinal stromal tumor. Last evaluated: 2025-10-14. Review status: criteria provided, single submitter. Criteria: Invitae Variant Classification Sherloc (09022015). Collection method: clinical testing. Allele origin: germline.
Comment: This sequence change replaces threonine, which is neutral and polar, with alanine, which is neutral and non-polar, at codon 322 of the KIT protein (p.Thr322Ala). This variant is not present in population databases (gnomAD no frequency). This variant has not been reported in the literature in individuals affected with KIT-related conditions. ClinVar contains an entry for this variant (Variation ID: 955898). An algorithm developed to predict the effect of missense changes on protein structure and function (PolyPhen-2) suggests that this variant is likely to be disruptive. In summary, the available evidence is currently insufficient to determine the role of this variant in disease. Therefore, it has been classified as a Variant of Uncertain Significance.

NM_000222.3(KIT):c.964A>G (p.Thr322Ala)

Gene: KIT (KIT proto-oncogene, receptor tyrosine kinase; plus strand). Cytogenetic location: 4q12.
Variant type: single nucleotide variant.
Coding change: c.964A>G on transcript NM_000222.3 (MANE Select); coding-DNA position 964, A replaced by G.
Protein change: p.Thr322Ala; replaces threonine 322 with alanine.
Molecular consequence: missense variant.
Genome position (GRCh38, 1-based): chr4:54,707,136, A>G. VCF-style: chr4-54707136-A-G. GRCh37 (hg19) VCF-style: chr4-55573302-A-G.
Other names: c.964A>G, p.Thr322Ala (NM_001093772.2, NM_001385285.1, NM_001385286.1); c.967A>G, p.Thr323Ala (NM_001385284.1, NM_001385288.1, NM_001385290.1 and 1 more transcripts); short protein forms T322A, T323A.
Identifiers: ClinVar variation 955898 (VCV000955898.10), dbSNP rs147540142, ClinGen allele CA2923353.